The following is an entry in ClinVar:

ClinVar aggregate classification (germline): Uncertain significance. Review status: criteria provided, multiple submitters, no conflicts (2 of 4 stars). 2 submissions from 2 submitters: Uncertain significance (2). Last evaluated 2025-12-28.

Submissions (2):

Labcorp Genetics (formerly Invitae), Labcorp
Classification: Uncertain significance. Last evaluated: 2025-12-28. Review status: criteria provided, single submitter. Criteria: Invitae Variant Classification Sherloc (09022015). Collection method: clinical testing. Allele origin: germline.
Comment: This sequence change replaces phenylalanine, which is neutral and non-polar, with cysteine, which is neutral and slightly polar, at codon 598 of the RECQL protein (p.Phe598Cys). This variant is not present in population databases (gnomAD no frequency). This variant has not been reported in the literature in individuals affected with RECQL-related conditions. ClinVar contains an entry for this variant (Variation ID: 1780226). Invitae Evidence Modeling of protein sequence and biophysical properties (such as structural, functional, and spatial information, amino acid conservation, physicochemical variation, residue mobility, and thermodynamic stability) indicates that this missense variant is not expected to disrupt RECQL protein function with a negative predictive value of 80%. In summary, the available evidence is currently insufficient to determine the role of this variant in disease. Therefore, it has been classified as a Variant of Uncertain Significance.

Ambry Genetics
Classification: Uncertain significance. Last evaluated: 2022-06-13. Review status: criteria provided, single submitter. Criteria: Ambry Variant Classification Scheme 2023. Collection method: clinical testing. Allele origin: germline.
Comment: The p.F598C variant (also known as c.1793T>G), located in coding exon 13 of the RECQL gene, results from a T to G substitution at nucleotide position 1793. The phenylalanine at codon 598 is replaced by cysteine, an amino acid with highly dissimilar properties. This amino acid position is conserved. In addition, this alteration is predicted to be tolerated by in silico analysis. Since supporting evidence is limited at this time, the clinical significance of this alteration remains unclear.

NM_002907.4(RECQL):c.1793T>G (p.Phe598Cys)

Genes: PYROXD1 (pyridine nucleotide-disulphide oxidoreductase domain 1; plus strand), RECQL (RecQ like helicase; minus strand). Cytogenetic location: 12p12.1.
Variant type: single nucleotide variant.
Coding change: c.1793T>G on transcript NM_002907.4 (MANE Select); coding-DNA position 1793, T replaced by G.
Protein change: p.Phe598Cys; replaces phenylalanine 598 with cysteine.
Molecular consequence: missense variant. On other transcripts: 3 prime UTR variant (3).
Genome position (GRCh38, 1-based): chr12:21,470,973, A>C on the plus strand (T>G on the coding strand, the complement: RECQL is on the minus strand). VCF-style: chr12-21470973-A-C. GRCh37 (hg19) VCF-style: chr12-21623907-A-C.
Other names: c.1793T>G, p.Phe598Cys (NM_032941.3); c.*2219A>C (NM_001350912.2, NM_001350913.2, NM_024854.5); short protein forms F598C.
Identifiers: ClinVar variation 1780226 (VCV001780226.3), dbSNP rs760839761, ClinGen allele CA384114312.